The following is an entry in ClinVar:

ClinVar aggregate classification (germline): Uncertain significance. Review status: criteria provided, multiple submitters, no conflicts (2 of 4 stars). 2 submissions from 2 submitters: Uncertain significance (2). Last evaluated 2022-07-21.

Conditions:
Aicardi-Goutieres syndrome 7 (AGS7). Identifiers: Orphanet 51, MedGen C3888244, MONDO:0014367, OMIM 615846.
Singleton-Merten syndrome 1 (SGMRT1). Also called: Widened medullary cavities of bone, aortic calcification, abnormal dentition, and muscular weakness; Syndrome of widened medullary cavities of the metacarpals and phalanges, aortic calcification and abnormal dentition. Identifiers: Orphanet 85191, MedGen C4225427, MONDO:0024535, OMIM 182250.

Submissions (2):

Blueprint Genetics
Classification: Uncertain significance. Last evaluated: 2022-07-21. Review status: criteria provided, single submitter. Criteria: ACMG Guidelines, 2015. Collection method: clinical testing. Allele origin: germline.

Labcorp Genetics (formerly Invitae), Labcorp
Classification: Uncertain significance for Aicardi-Goutieres syndrome 7; Singleton-Merten syndrome 1. Last evaluated: 2022-03-04. Review status: criteria provided, single submitter. Criteria: Invitae Variant Classification Sherloc (09022015). Collection method: clinical testing. Allele origin: germline.
Comment: In summary, the available evidence is currently insufficient to determine the role of this variant in disease. Therefore, it has been classified as a Variant of Uncertain Significance. Algorithms developed to predict the effect of missense changes on protein structure and function are either unavailable or do not agree on the potential impact of this missense change (SIFT: "Deleterious"; PolyPhen-2: "Probably Damaging"; Align-GVGD: "Class C15"). This variant has not been reported in the literature in individuals affected with IFIH1-related conditions. This variant is not present in population databases (gnomAD no frequency). This sequence change replaces glycine, which is neutral and non-polar, with glutamic acid, which is acidic and polar, at codon 486 of the IFIH1 protein (p.Gly486Glu).

NM_022168.4(IFIH1):c.1457G>A (p.Gly486Glu)

Gene: IFIH1 (interferon induced with helicase C domain 1; minus strand). Cytogenetic location: 2q24.2.
Variant type: single nucleotide variant.
Coding change: c.1457G>A on transcript NM_022168.4 (MANE Select); coding-DNA position 1457, G replaced by A.
Protein change: p.Gly486Glu; replaces glycine 486 with glutamic acid.
Molecular consequence: missense variant.
Genome position (GRCh38, 1-based): chr2:162,281,395, C>T on the plus strand (G>A on the coding strand, the complement: IFIH1 is on the minus strand). VCF-style: chr2-162281395-C-T. GRCh37 (hg19) VCF-style: chr2-163137905-C-T.
Other names: short protein forms G486E.
Identifiers: ClinVar variation 2106072 (VCV002106072.5), dbSNP rs141748480, ClinGen allele CA349002146.